The following is an entry in ClinVar:

NM_001195263.2(PDZD7):c.244G>A (p.Asp82Asn)

Gene: PDZD7 (PDZ domain containing 7; minus strand). Cytogenetic location: 10q24.31.
Variant type: single nucleotide variant.
Coding change: c.244G>A on transcript NM_001195263.2 (MANE Select); coding-DNA position 244, G replaced by A.
Protein change: p.Asp82Asn; replaces aspartic acid 82 with asparagine.
Molecular consequence: missense variant.
Genome position (GRCh38, 1-based): chr10:101,024,051, C>T on the plus strand (G>A on the coding strand, the complement: PDZD7 is on the minus strand). VCF-style: chr10-101024051-C-T. GRCh37 (hg19) VCF-style: chr10-102783808-C-T.
Other names: c.244G>A, p.Asp82Asn (NM_001351044.2, NM_024895.5); short protein forms D82N.
Identifiers: ClinVar variation 450000 (VCV000450000.12), dbSNP rs139145521, ClinGen allele CA5654468.

ClinVar aggregate classification (germline): Uncertain significance. Review status: criteria provided, multiple submitters, no conflicts (2 of 4 stars). 6 submissions from 6 submitters: Uncertain significance (6). Last evaluated 2026-06-01.

Conditions:
Inborn genetic diseases. Identifiers: MedGen C0950123, MeSH D030342.

Allele frequency attached by ClinVar (database versions not stated): gnomAD exomes 0.00003 and 0.00010; ExAC 0.00016; gnomAD 0.00057 and 0.00058; ESP Exome Variant Server 0.00062; TOPMed 0.00066; 1000 Genomes Project 0.00080; 1000 Genomes Project 30x 0.00094.
gnomAD v4.1: 135 of 1,614,266 alleles (0.0084%); highest among the groups gnomAD compares: African/African-American, 0.15%; 1 homozygote.

Submissions (6):

CeGaT Center for Human Genetics Tuebingen
Classification: Uncertain significance. Last evaluated: 2026-06-01. Review status: criteria provided, single submitter. Criteria: CeGaT Center For Human Genetics Tuebingen Variant Classification Criteria Version 2. Collection method: clinical testing. Allele origin: germline. Affected: yes. Observed: 1 variant allele.

Ambry Genetics
Classification: Uncertain significance for Inborn genetic diseases. Last evaluated: 2025-07-16. Review status: criteria provided, single submitter. Criteria: Ambry Variant Classification Scheme 2023. Collection method: clinical testing. Allele origin: germline.

Blueprint Genetics
Classification: Uncertain significance. Last evaluated: 2023-06-02. Review status: criteria provided, single submitter. Criteria: ACMG Guidelines, 2015. Collection method: clinical testing. Allele origin: germline.

Labcorp Genetics (formerly Invitae), Labcorp
Classification: Uncertain significance. Last evaluated: 2022-11-01. Review status: criteria provided, single submitter. Criteria: Invitae Variant Classification Sherloc (09022015). Collection method: clinical testing. Allele origin: germline.
Comment: This sequence change replaces aspartic acid, which is acidic and polar, with asparagine, which is neutral and polar, at codon 82 of the PDZD7 protein (p.Asp82Asn). This variant is present in population databases (rs139145521, gnomAD 0.1%). This variant has not been reported in the literature in individuals affected with PDZD7-related conditions. ClinVar contains an entry for this variant (Variation ID: 450000). Advanced modeling of protein sequence and biophysical properties (such as structural, functional, and spatial information, amino acid conservation, physicochemical variation, residue mobility, and thermodynamic stability) performed at Invitae indicates that this missense variant is not expected to disrupt PDZD7 protein function. In summary, the available evidence is currently insufficient to determine the role of this variant in disease. Therefore, it has been classified as a Variant of Uncertain Significance.

GeneDx
Classification: Uncertain significance. Last evaluated: 2017-06-23. Review status: criteria provided, single submitter. Criteria: GeneDx Variant Classification (06012015). Collection method: clinical testing. Allele origin: germline. Affected: yes.
Comment: The D82N variant in the PDZD7 gene has not been reported previously as a pathogenic variant, nor as a benign variant, to our knowledge. This variant is observed in 17/10334 (0.16%) alleles from individuals of African background in the ExAC dataset (Lek et al., 2016). The D82N variant is a semi-conservative amino acid substitution, which may impact secondary protein structure as these residues differ in some properties. This substitution occurs at a position where amino acids with similar properties to Aspartic Acid are tolerated across species. In silico analysis is inconsistent in its predictions as to whether or not the variant is damaging to the protein structure/function. We interpret D82N as a variant of uncertain significance.

Breakthrough Genomics
Classification: Uncertain significance. Review status: criteria provided, single submitter. Criteria: ACMG Guidelines, 2015. Collection method: not provided. Allele origin: germline. Inheritance: Autosomal recessive inheritance. Affected: yes.